The following is an entry in ClinVar:

NM_018344.6(SLC29A3):c.67_70del (p.Leu24fs)

Gene: SLC29A3 (solute carrier family 29 member 3; plus strand). Cytogenetic location: 10q22.1.
Variant type: Deletion.
Coding change: c.67_70del on transcript NM_018344.6 (MANE Select); coding-DNA positions 67 to 70, 4 bases deleted (AGTC; older notation c.67_70delAGTC).
Protein change: p.Leu24fs; shifts the reading frame from leucine 24.
Molecular consequence: frameshift variant. On other transcripts: 5 prime UTR variant (1), non-coding transcript variant (2).
Genome position (GRCh38, 1-based): chr10:71,322,821-71,322,824, AGTC deleted; deleting any 4 consecutive bases within chr10:71,322,820-71,322,824 gives the same sequence; the c. name uses the placement nearest the transcript's 3' end. VCF-style (leftmost placement, unchanged base first): chr10-71322819-GCAGT-G. GRCh37 (hg19) VCF-style: chr10-73082576-GCAGT-G.
Other names: c.67_70del, p.Leu24fs (NM_001174098.2); c.-168_-165del (NM_001363518.2); short protein forms L24fs.
Identifiers: ClinVar variation 2760413 (VCV002760413.3), dbSNP rs1318676764, ClinGen allele CA594296005.
Genomic context (GRCh38, chr10:71,322,819, plus strand): 5'-CCGTTGTCTCAGAGGACGACTTTCAGCACAGTTCAAACTCCACCTACAGAACCACAAGCA[GCAGT>G]CTCCGAGCTGACCAGGAGGCACTGCTTGAGAAGCTGCTGGACCGCCCGCCCCCTGGCCTG-3'

ClinVar aggregate classification (germline): Pathogenic (1 of 4 stars; one submission).

Conditions:
H syndrome. Also called: Histiocytosis with joint contractures and sensorineural deafness; Asrar Facharzt Haque syndrome; HISTIOCYTOSIS AND LYMPHADENOPATHY WITH OR WITHOUT CUTANEOUS, CARDIAC, AND/OR ENDOCRINE FEATURES, JOINT CONTRACTURES, AND/OR DEAFNESS; HYPERPIGMENTATION, CUTANEOUS, WITH HYPERTRICHOSIS, HEPATOSPLENOMEGALY, HEART ANOMALIES, AND HYPOGONADISM WITH OR WITHOUT HEARING LOSS; PIGMENTED HYPERTRICHOSIS WITH INSULIN-DEPENDENT DIABETES MELLITUS; ROSAI-DORFMAN DISEASE, FAMILIAL. Identifiers: Orphanet 168569, MedGen C1864445, MONDO:0011273, OMIM 602782.

Submission:

Labcorp Genetics (formerly Invitae), Labcorp
Classification: Pathogenic for H syndrome. Last evaluated: 2025-06-13. Review status: criteria provided, single submitter. Criteria: Invitae Variant Classification Sherloc (09022015). Collection method: clinical testing. Allele origin: germline.
Comment: This sequence change creates a premature translational stop signal (p.Leu24Glufs*76) in the SLC29A3 gene. It is expected to result in an absent or disrupted protein product. Loss-of-function variants in SLC29A3 are known to be pathogenic (PMID: 19336477, 20595384, 23406517, 25963354). This variant is present in population databases (no rsID available, gnomAD 0.01%). This variant has not been reported in the literature in individuals affected with SLC29A3-related conditions. ClinVar contains an entry for this variant (Variation ID: 2760413). For these reasons, this variant has been classified as Pathogenic.

Literature cited by the submitters: PubMed 19336477; PubMed 20595384; PubMed 23406517; PubMed 25963354.